The following is an entry in ClinVar:

ClinVar aggregate classification (germline): Uncertain significance (1 of 4 stars; one submission).

Allele frequency attached by ClinVar (database versions not stated): gnomAD 0.00001.
gnomAD v4.1: 8 of 1,613,868 alleles (0.0005%); highest among the groups gnomAD compares: Admixed American, 0.005%; no homozygotes.

Submission:

Labcorp Genetics (formerly Invitae), Labcorp
Classification: Uncertain significance. Last evaluated: 2026-02-02. Review status: criteria provided, single submitter. Criteria: Invitae Variant Classification Sherloc (09022015). Collection method: clinical testing. Allele origin: germline.
Comment: This sequence change replaces arginine, which is basic and polar, with leucine, which is neutral and non-polar, at codon 1297 of the CLTC protein (p.Arg1297Leu). This variant is present in population databases (no rsID available, gnomAD 0.002%). This variant has not been reported in the literature in individuals affected with CLTC-related conditions. ClinVar contains an entry for this variant (Variation ID: 1925554). Invitae Evidence Modeling of protein sequence and biophysical properties (such as structural, functional, and spatial information, amino acid conservation, physicochemical variation, residue mobility, and thermodynamic stability) indicates that this missense variant is not expected to disrupt CLTC protein function with a negative predictive value of 80%. In summary, the available evidence is currently insufficient to determine the role of this variant in disease. Therefore, it has been classified as a Variant of Uncertain Significance.

NM_004859.4(CLTC):c.3878G>T (p.Arg1293Leu)

Gene: CLTC (clathrin heavy chain; plus strand). Cytogenetic location: 17q23.1.
Variant type: single nucleotide variant.
Coding change: c.3878G>T on transcript NM_004859.4 (MANE Select); coding-DNA position 3878, G replaced by T.
Protein change: p.Arg1293Leu; replaces arginine 1293 with leucine.
Molecular consequence: missense variant.
Genome position (GRCh38, 1-based): chr17:59,683,099, G>T. VCF-style: chr17-59683099-G-T. GRCh37 (hg19) VCF-style: chr17-57760460-G-T.
Other names: c.3890G>T, p.Arg1297Leu (NM_001288653.2); short protein forms R1293L, R1297L.
Identifiers: ClinVar variation 1925554 (VCV001925554.5), dbSNP rs911275826, ClinGen allele CA292117485.